The following is an entry in ClinVar:

NM_004963.4(GUCY2C):c.2338G>A (p.Glu780Lys)

Gene: GUCY2C (guanylate cyclase 2C; minus strand). Cytogenetic location: 12p12.3.
Variant type: single nucleotide variant.
Coding change: c.2338G>A on transcript NM_004963.4 (MANE Select); coding-DNA position 2338, G replaced by A.
Protein change: p.Glu780Lys; replaces glutamic acid 780 with lysine.
Molecular consequence: missense variant.
Genome position (GRCh38, 1-based): chr12:14,625,827, C>T on the plus strand (G>A on the coding strand, the complement: GUCY2C is on the minus strand). VCF-style: chr12-14625827-C-T. GRCh37 (hg19) VCF-style: chr12-14778761-C-T.
Other names: short protein forms E780K.
Identifiers: ClinVar variation 5000653 (VCV005000653.1).

ClinVar aggregate classification (germline): Uncertain significance (1 of 4 stars; one submission).

Conditions:
GUCY2C-related disorder. Also called: GUCY2C-related condition.

Submission:

PreventionGenetics, part of Exact Sciences
Classification: Uncertain significance for GUCY2C-related condition. Last evaluated: 2025-02-18. Review status: criteria provided, single submitter. Criteria: ACMG Guidelines, 2015. Collection method: clinical testing. Allele origin: germline.
Comment: The GUCY2C c.2338G>A variant is predicted to result in the amino acid substitution p.Glu780Lys. To our knowledge, this variant has not been reported in the literature or in a large population database (gnomAD), indicating this variant is rare. At this time, the clinical significance of this variant is uncertain due to the absence of conclusive functional and genetic evidence.